The following is an entry in ClinVar:

NM_006904.7(PRKDC):c.6893+4C>G

Gene: PRKDC (protein kinase, DNA-activated, catalytic subunit; minus strand). Cytogenetic location: 8q11.21.
Variant type: single nucleotide variant.
Coding change: c.6893+4C>G on transcript NM_006904.7 (MANE Select); 4 bases into the intron after coding-DNA position 6893, C replaced by G.
Molecular consequence: intron variant.
Genome position (GRCh38, 1-based): chr8:47,854,079, G>C on the plus strand (C>G on the coding strand, the complement: PRKDC is on the minus strand). VCF-style: chr8-47854079-G-C. GRCh37 (hg19) VCF-style: chr8-48766640-G-C.
Other names: c.6893+4C>G (NM_001081640.2).
Identifiers: ClinVar variation 2063920 (VCV002063920.4), dbSNP rs779297405, ClinGen allele CA2580078340.

ClinVar aggregate classification (germline): Uncertain significance (1 of 4 stars; one submission).

Conditions:
Severe combined immunodeficiency due to DNA-PKcs deficiency. Also called: IMMUNODEFICIENCY 26 WITH NEUROLOGIC ABNORMALITIES; Immunodeficiency 26 with or without neurologic abnormalities. Identifiers: Orphanet 317425, MedGen C4014833, MONDO:0014423, OMIM 615966.

gnomAD v4.1: 1 of 1,613,578 alleles (0.000062%); highest among the groups gnomAD compares: Non-Finnish European, 0.000085%; no homozygotes.

Submission:

Labcorp Genetics (formerly Invitae), Labcorp
Classification: Uncertain significance for Severe combined immunodeficiency due to DNA-PKcs deficiency. Last evaluated: 2021-12-28. Review status: criteria provided, single submitter. Criteria: Invitae Variant Classification Sherloc (09022015). Collection method: clinical testing. Allele origin: germline.
Comment: In summary, the available evidence is currently insufficient to determine the role of this variant in disease. Therefore, it has been classified as a Variant of Uncertain Significance. Variants that disrupt the consensus splice site are a relatively common cause of aberrant splicing (PMID: 17576681, 9536098). Experimental studies and prediction algorithms are not available or were not evaluated, and the effect of this variant on mRNA splicing is currently unknown. This variant has not been reported in the literature in individuals affected with PRKDC-related conditions. This variant is not present in population databases (gnomAD no frequency). This sequence change falls in intron 51 of the PRKDC gene. It does not directly change the encoded amino acid sequence of the PRKDC protein. It affects a nucleotide within the consensus splice site.

Literature cited by the submitters: PubMed 17576681; PubMed 9536098.